The following is an entry in ClinVar:

NM_001376.5(DYNC1H1):c.11524G>A (p.Glu3842Lys)

Gene: DYNC1H1 (dynein cytoplasmic 1 heavy chain 1; plus strand). Cytogenetic location: 14q32.31.
Variant type: single nucleotide variant.
Coding change: c.11524G>A on transcript NM_001376.5 (MANE Select); coding-DNA position 11524, G replaced by A.
Protein change: p.Glu3842Lys; replaces glutamic acid 3842 with lysine.
Molecular consequence: missense variant.
Genome position (GRCh38, 1-based): chr14:102,039,475, G>A. VCF-style: chr14-102039475-G-A. GRCh37 (hg19) VCF-style: chr14-102505812-G-A.
Other names: short protein forms E3842K.
Identifiers: ClinVar variation 3730331 (VCV003730331.2).
Genomic context (GRCh38, chr14:102,039,475, plus strand): 5'-CACTTCTTGTACCAGTACTCCCTCCAGTTTTTCCTGGACATTTATCACAACGTCCTATAC[G>A]AGAACCCGAACCTGAAGGGTGTCACCGACCACACACAGCGCCTGTCCATTATAACAAAGG-3'
Protein context (NP_001367.2, residues 3832-3852): FLDIYHNVLY[Glu3842Lys]NPNLKGVTDH

ClinVar aggregate classification (germline): Uncertain significance (1 of 4 stars; one submission).

Conditions:
Charcot-Marie-Tooth disease axonal type 2O. Also called: CHARCOT-MARIE-TOOTH NEUROPATHY, AXONAL, TYPE 2O; CHARCOT-MARIE-TOOTH DISEASE, AXONAL, AUTOSOMAL DOMINANT, TYPE 2O; Charcot-Marie-Tooth Neuropathy Type 2O; Charcot-Marie-Tooth disease, axonal, type 20. Identifiers: Orphanet 284232, MedGen C3280220, MONDO:0013644, OMIM 614228.

gnomAD v4.1: 2 of 1,614,188 alleles (0.00012%); highest among the groups gnomAD compares: Non-Finnish European, 0.00017%; no homozygotes.

Submission:

Labcorp Genetics (formerly Invitae), Labcorp
Classification: Uncertain significance for Charcot-Marie-Tooth disease axonal type 2O. Last evaluated: 2024-11-03. Review status: criteria provided, single submitter. Criteria: Invitae Variant Classification Sherloc (09022015). Collection method: clinical testing. Allele origin: germline.
Comment: This sequence change replaces glutamic acid, which is acidic and polar, with lysine, which is basic and polar, at codon 3842 of the DYNC1H1 protein (p.Glu3842Lys). This variant is not present in population databases (gnomAD no frequency). This variant has not been reported in the literature in individuals affected with DYNC1H1-related conditions. Invitae Evidence Modeling of protein sequence and biophysical properties (such as structural, functional, and spatial information, amino acid conservation, physicochemical variation, residue mobility, and thermodynamic stability) indicates that this missense variant is not expected to disrupt DYNC1H1 protein function with a negative predictive value of 95%. In summary, the available evidence is currently insufficient to determine the role of this variant in disease. Therefore, it has been classified as a Variant of Uncertain Significance.